The following is an entry in ClinVar:

ClinVar aggregate classification (germline): Uncertain significance (1 of 4 stars; one submission).

Conditions:
Cardiovascular phenotype. Identifiers: MedGen CN230736.

gnomAD v4.1: 1 of 1,613,978 alleles (0.000062%); highest among the groups gnomAD compares: African/African-American, 0.0013%; no homozygotes.

Submission:

Ambry Genetics
Classification: Uncertain significance for Cardiovascular phenotype. Last evaluated: 2025-07-21. Review status: criteria provided, single submitter. Criteria: Ambry Variant Classification Scheme 2023. Collection method: clinical testing. Allele origin: germline.
Comment: The p.Q498P variant (also known as c.1493A>C), located in coding exon 13 of the CACNB2 gene, results from an A to C substitution at nucleotide position 1493. The glutamine at codon 498 is replaced by proline, an amino acid with similar properties. This amino acid position is conserved. In addition, this alteration is predicted to be deleterious by in silico analysis. Based on the available evidence, the clinical significance of this variant remains unclear.

NM_201596.3(CACNB2):c.1655A>C (p.Gln552Pro)

Gene: CACNB2 (calcium voltage-gated channel auxiliary subunit beta 2; plus strand). Cytogenetic location: 10p12.31.
Variant type: single nucleotide variant.
Coding change: c.1655A>C on transcript NM_201596.3 (MANE Select); coding-DNA position 1655, A replaced by C.
Protein change: p.Gln552Pro; replaces glutamine 552 with proline.
Molecular consequence: missense variant.
Genome position (GRCh38, 1-based): chr10:18,539,396, A>C. VCF-style: chr10-18539396-A-C. GRCh37 (hg19) VCF-style: chr10-18828325-A-C.
Other names: c.1490A>C, p.Gln497Pro (NM_000724.4); c.1457A>C, p.Gln486Pro (NM_001167945.2); c.1376A>C, p.Gln459Pro (NM_001330060.2); c.1397A>C, p.Gln466Pro (NM_001410882.1); c.1511A>C, p.Gln504Pro (NM_201570.3); c.1571A>C, p.Gln524Pro (NM_201571.4); c.1499A>C, p.Gln500Pro (NM_201572.4); c.1493A>C, p.Gln498Pro (NM_201590.3); and 2 more; short protein forms Q486P, Q524P, Q497P, Q528P, Q459P, Q498P, Q500P, Q504P.
Identifiers: ClinVar variation 4218010 (VCV004218010.1).
Genomic context (GRCh38, chr10:18,539,396, plus strand): 5'-CTTCCTCCTCAGCCCCACACCACAACCATCGCAGTGGGACAAGTCGCGGCCTCTCCAGGC[A>C]AGAGACATTTGACTCGGAAACCCAGGAGAGTCGAGACTCTGCCTACGTAGAGCCAAAGGA-3'
Protein context (NP_963890.2, residues 542-562): RSGTSRGLSR[Gln552Pro]ETFDSETQES